The following is an entry in ClinVar:

NM_000422.3(KRT17):c.281G>A (p.Arg94His)

Gene: KRT17 (keratin 17; minus strand). Cytogenetic location: 17q21.2.
Variant type: single nucleotide variant.
Coding change: c.281G>A on transcript NM_000422.3 (MANE Select); coding-DNA position 281, G replaced by A.
Protein change: p.Arg94His; replaces arginine 94 with histidine.
Molecular consequence: missense variant.
Genome position (GRCh38, 1-based): chr17:41,624,229, C>T on the plus strand (G>A on the coding strand, the complement: KRT17 is on the minus strand). VCF-style: chr17-41624229-C-T. GRCh37 (hg19) VCF-style: chr17-39780481-C-T.
Other names: short protein forms R94H.
Identifiers: ClinVar variation 14590 (VCV000014590.50), dbSNP rs28928897, ClinGen allele CA124154.
Genomic context (GRCh38, chr17:41,624,229, plus strand): 5'-ACCTCCAGCTCAGTGTTGGCCTCCTCCAGGGCACGCACCTTGTCCAGGTAGGAGGCCAGG[C>T]GGTCATTGAGGTTCTGCATGGTGGCCTTCTCACCTCCAGCCAGCAGCCCATCAACACCCC-3'
Protein context (NP_000413.1, residues 84-104): EKATMQNLND[Arg94His]LASYLDKVRA

ClinVar aggregate classification (germline): Pathogenic/Likely pathogenic. Review status: criteria provided, multiple submitters, no conflicts (2 of 4 stars). 8 submissions from 7 submitters: Pathogenic (4); Likely pathogenic (1). 3 of the submissions do not count toward it. Last evaluated 2024-07-19.

Conditions:
Steatocystoma multiplex. Also called: Sebocystomatosis; Disseminated sebocystomatosis. Identifiers: Orphanet 841, MedGen C0259771, MONDO:0008485, OMIM 184500, HP:0012035.
Pachyonychia congenita 2 (PC2). Also called: PACHYONYCHIA CONGENITA, JACKSON-LAWLER TYPE; Jackson-Lawler syndrome; PC-K17; KRT17-Related Pachyonychia Congenita. Identifiers: Orphanet 2309, MedGen C1721007, MONDO:0008174, OMIM 167210.

Allele frequency attached by ClinVar (database versions not stated): gnomAD exomes 0.00001.
gnomAD v4.1: 14 of 1,612,758 alleles (0.00087%); highest among the groups gnomAD compares: Non-Finnish European, 0.0011%; no homozygotes.

Submissions (8):

Labcorp Genetics (formerly Invitae), Labcorp
Classification: Pathogenic. Last evaluated: 2024-07-19. Review status: criteria provided, single submitter. Criteria: Invitae Variant Classification Sherloc (09022015). Collection method: clinical testing. Allele origin: germline.
Comment: This sequence change replaces arginine, which is basic and polar, with histidine, which is basic and polar, at codon 94 of the KRT17 protein (p.Arg94His). This variant is not present in population databases (gnomAD no frequency). This missense change has been observed in individual(s) with Steatocystoma multiple (PMID: 9008238). It has also been observed to segregate with disease in related individuals. ClinVar contains an entry for this variant (Variation ID: 14590). Advanced modeling of protein sequence and biophysical properties (such as structural, functional, and spatial information, amino acid conservation, physicochemical variation, residue mobility, and thermodynamic stability) has been performed at Invitae for this missense variant, however the output from this modeling did not meet the statistical confidence thresholds required to predict the impact of this variant on KRT17 protein function. This variant disrupts the p.Arg94 amino acid residue in KRT17. Other variant(s) that disrupt this residue have been determined to be pathogenic (PMID: 9767294, 25946540, 26165312, 29218738). This suggests that this residue is clinically significant, and that variants that disrupt this residue are likely to be disease-causing. For these reasons, this variant has been classified as Pathogenic.

Victorian Clinical Genetics Services, Murdoch Childrens Research Institute
Classification: Pathogenic for Steatocystoma multiplex. Last evaluated: 2022-02-02. Review status: criteria provided, single submitter. Criteria: ACMG Guidelines, 2015. Collection method: clinical testing. Allele origin: germline. Inheritance: Autosomal dominant inheritance. Affected: yes.
Comment: Based on the classification scheme VCGS_Germline_v1.3.4, this variant is classified as Pathogenic. Following criteria are met: 0105 - The mechanism of disease for this gene is not clearly established. However in keratin proteins, missense at the start and end of the a-helical rod domain (within 1A and 2B) within the helix boundary motif domains are expected to interfere with assembly of intermediate filaments (PMIDs: 24611874, 14714564). In addition, induction of keratin K17 expression has been reported in psoriasis (PMID: 29784039). (I) 0107 - This gene is associated with autosomal dominant disease. (I) 0200 - Variant is predicted to result in a missense amino acid change from arginine to histidine. (I) 0251 - This variant is heterozygous. (I) 0301 - Variant is absent from gnomAD (both v2 and v3). (SP) 0309 - An alternative amino acid change at the same position has been observed in gnomAD (v3) (2 heterozygotes, 0 homozygotes). (I) 0501 - Missense variant consistently predicted to be damaging by multiple in silico tools or highly conserved with a major amino acid change. (SP) 0602 - Variant is located in a hotspot region or cluster of pathogenic variants. It is located in the coil 1A region within the rod domain (PMID: 29784039), where reported missense variants are clustered (DECIPHER). (SP) 0802 - This variant has moderate previous evidence of pathogenicity in unrelated individuals. It has been reported in multiple unrelated individuals with steatocystoma multiplex or pachyonychia congenita 2 (PMIDs: 9008238, 11886499, 19470054). It has also been reported as pathogenic once in ClinVar. (SP) 1007 - No published functional evidence has been identified for this variant. (I) 1101 - Very strong and specific phenotype match for this individual. (SP) 1208 - Inheritance information for this variant is not currently available in this individual. (I) Legend: (SP) - Supporting pathogenic, (I) - Information, (SB) - Supporting benign

Fulgent Genetics
Classification: Likely pathogenic for Pachyonychia congenita 2; Steatocystoma multiplex. Last evaluated: 2021-10-23. Review status: criteria provided, single submitter. Criteria: ACMG Guidelines, 2015. Collection method: clinical testing. Allele origin: unknown.

CeGaT Center for Human Genetics Tuebingen
Classification: Pathogenic. Last evaluated: 2019-12-01. Review status: criteria provided, single submitter. Criteria: CeGaT Center For Human Genetics Tuebingen Variant Classification Criteria Version 2. Collection method: clinical testing. Allele origin: germline. Affected: yes. Observed: 1 variant allele.

Juno Genomics, Hangzhou Juno Genomics, Inc
Classification: Pathogenic for Pachyonychia congenita 2; Steatocystoma multiplex. Review status: criteria provided, single submitter. Criteria: ACMG Guidelines, 2015. Collection method: clinical testing. Allele origin: germline. Affected: yes.
Comment: Absent from controls (or at extremely low frequency if recessive) in Genome Aggregation Database, Exome Sequencing Project, 1000 Genomes Project, or Exome Aggregation Consortium.;Multiple lines of computational evidence support a deleterious effect on the gene or gene product (conservation, evolutionary, splicing impact, etc).;Novel missense change at an amino acid residue where a different missense change determined to be pathogenic has been seen before.;The prevalence of the variant in affected individuals is significantly increased compared to the prevalence in controls.;Co-segregation with disease in multiple affected family members in a gene definitively known to cause the disease.;Patient's phenotype or family history is highly specific for a disease with a single genetic etiology.

OMIM
Classification: Pathogenic for STEATOCYSTOMA MULTIPLEX. Last evaluated: 2001-12-01. Review status: no assertion criteria provided. Collection method: literature only. Allele origin: germline. Not counted in ClinVar's aggregate classification.

OMIM
Classification: Pathogenic for PACHYONYCHIA CONGENITA 2. Last evaluated: 2001-12-01. Review status: no assertion criteria provided. Collection method: literature only. Allele origin: germline. Not counted in ClinVar's aggregate classification.

Epithelial Biology;  Institute of Medical Biology, Singapore
No classification provided. Review status: no classification provided. Collection method: not provided. Allele origin: not provided. Not counted in ClinVar's aggregate classification.

Literature cited by the submitters: PubMed 9008238 (cited by 3 submitters); PubMed 9767294 (cited by Labcorp Genetics (formerly Invitae), Labcorp); PubMed 25946540 (cited by Labcorp Genetics (formerly Invitae), Labcorp); PubMed 26165312 (cited by Labcorp Genetics (formerly Invitae), Labcorp); PubMed 29218738 (cited by Labcorp Genetics (formerly Invitae), Labcorp); PubMed 11886499 (cited by Victorian Clinical Genetics Services, Murdoch Childrens Research Institute and OMIM); PubMed 14714564 (cited by Victorian Clinical Genetics Services, Murdoch Childrens Research Institute); PubMed 19470054 (cited by Victorian Clinical Genetics Services, Murdoch Childrens Research Institute); PubMed 24611874 (cited by Victorian Clinical Genetics Services, Murdoch Childrens Research Institute); PubMed 29784039 (cited by Victorian Clinical Genetics Services, Murdoch Childrens Research Institute).